The following is an entry in ClinVar:

NM_001378454.1(ALMS1):c.5902dup (p.Ser1968fs)

Gene: ALMS1 (ALMS1 centrosome and basal body associated protein; plus strand). Cytogenetic location: 2p13.1.
Variant type: Duplication.
Coding change: c.5902dup on transcript NM_001378454.1 (MANE Select); coding-DNA position 5902, one base duplicated (T; older notation c.5902dupT).
Protein change: p.Ser1968fs; shifts the reading frame from serine 1968.
Molecular consequence: frameshift variant.
Genome position (GRCh38, 1-based): chr2:73,452,429, T duplicated; the last of 3 consecutive T bases (chr2:73,452,427-73,452,429); duplicating any one gives the same sequence. VCF-style (leftmost placement, unchanged base first): chr2-73452426-G-GT. GRCh37 (hg19) VCF-style: chr2-73679553-G-GT.
Other names: c.5905dup, p.Ser1969fs (NM_015120.4); short protein forms S1968fs, S1969fs.
Identifiers: ClinVar variation 2702634 (VCV002702634.4), dbSNP rs2466106791, ClinGen allele CA2586969419.
Genomic context (GRCh38, chr2:73,452,426, plus strand): 5'-CCCAGTGTTATCTCTCAACAGGAGTTGCCAGACAGTCATCTCACAGAAGAGGCTCTGAAA[G>GT]TTTCACCTGTTTCTATACCAGCAGAGCAGAAGACTGGGATACCAATAGGACTGTCTAGTT-3'

ClinVar aggregate classification (germline): Pathogenic/Likely pathogenic. Review status: criteria provided, multiple submitters, no conflicts (2 of 4 stars). 2 submissions from 2 submitters: Pathogenic (1); Likely pathogenic (1). Last evaluated 2024-01-22.

Conditions:
Alstrom syndrome (ALMS). Identifiers: Orphanet 64, MedGen C0268425, MONDO:0008763, OMIM 203800.

Submissions (2):

GeneDx
Classification: Likely pathogenic. Last evaluated: 2024-01-22. Review status: criteria provided, single submitter. Criteria: GeneDx Variant Classification Process June 2021. Collection method: clinical testing. Allele origin: germline. Affected: yes.
Comment: Has been reported in a cohort of patients with Alstrom syndrome; however specific details regarding this patient nor details on the second variant were specified in this report (PMID: 35211159); Frameshift variant predicted to result in protein truncation or nonsense mediated decay in a gene for which loss of function is a known mechanism of disease; Not observed at significant frequency in large population cohorts (gnomAD); This variant is associated with the following publications: (PMID: 35211159)

Labcorp Genetics (formerly Invitae), Labcorp
Classification: Pathogenic for Alstrom syndrome. Last evaluated: 2023-12-13. Review status: criteria provided, single submitter. Criteria: Invitae Variant Classification Sherloc (09022015). Collection method: clinical testing. Allele origin: germline.
Comment: This sequence change creates a premature translational stop signal (p.Ser1969Phefs*19) in the ALMS1 gene. It is expected to result in an absent or disrupted protein product. Loss-of-function variants in ALMS1 are known to be pathogenic (PMID: 17594715). This variant is not present in population databases (gnomAD no frequency). This premature translational stop signal has been observed in individual(s) with Alström Syndrome (PMID: 35211159). For these reasons, this variant has been classified as Pathogenic.

Literature cited by the submitters: PubMed 17594715 (cited by Labcorp Genetics (formerly Invitae), Labcorp); PubMed 35211159 (cited by Labcorp Genetics (formerly Invitae), Labcorp).